The following is an entry in ClinVar:

ClinVar aggregate classification (germline): Uncertain significance (1 of 4 stars; one submission).

Conditions:
Aicardi-Goutieres syndrome 7 (AGS7). Identifiers: Orphanet 51, MedGen C3888244, MONDO:0014367, OMIM 615846.
Singleton-Merten syndrome 1 (SGMRT1). Also called: Widened medullary cavities of bone, aortic calcification, abnormal dentition, and muscular weakness; Syndrome of widened medullary cavities of the metacarpals and phalanges, aortic calcification and abnormal dentition. Identifiers: Orphanet 85191, MedGen C4225427, MONDO:0024535, OMIM 182250.

Allele frequency attached by ClinVar (database versions not stated): TOPMed below 0.00001; gnomAD 0.00001; gnomAD exomes 0.00002.
gnomAD v4.1: 31 of 1,612,886 alleles (0.0019%); highest among the groups gnomAD compares: Non-Finnish European, 0.0026%; no homozygotes.

Submission:

Labcorp Genetics (formerly Invitae), Labcorp
Classification: Uncertain significance for Aicardi-Goutieres syndrome 7; Singleton-Merten syndrome 1. Last evaluated: 2023-10-10. Review status: criteria provided, single submitter. Criteria: Invitae Variant Classification Sherloc (09022015). Collection method: clinical testing. Allele origin: germline.
Comment: This sequence change replaces tyrosine, which is neutral and polar, with serine, which is neutral and polar, at codon 896 of the IFIH1 protein (p.Tyr896Ser). This variant is not present in population databases (gnomAD no frequency). This variant has not been reported in the literature in individuals affected with IFIH1-related conditions. Advanced modeling of protein sequence and biophysical properties (such as structural, functional, and spatial information, amino acid conservation, physicochemical variation, residue mobility, and thermodynamic stability) has been performed at Invitae for this missense variant, however the output from this modeling did not meet the statistical confidence thresholds required to predict the impact of this variant on IFIH1 protein function. In summary, the available evidence is currently insufficient to determine the role of this variant in disease. Therefore, it has been classified as a Variant of Uncertain Significance.

NM_022168.4(IFIH1):c.2687A>C (p.Tyr896Ser)

Gene: IFIH1 (interferon induced with helicase C domain 1; minus strand). Cytogenetic location: 2q24.2.
Variant type: single nucleotide variant.
Coding change: c.2687A>C on transcript NM_022168.4 (MANE Select); coding-DNA position 2687, A replaced by C.
Protein change: p.Tyr896Ser; replaces tyrosine 896 with serine.
Molecular consequence: missense variant.
Genome position (GRCh38, 1-based): chr2:162,268,207, T>G on the plus strand (A>C on the coding strand, the complement: IFIH1 is on the minus strand). VCF-style: chr2-162268207-T-G. GRCh37 (hg19) VCF-style: chr2-163124717-T-G.
Other names: short protein forms Y896S.
Identifiers: ClinVar variation 2952748 (VCV002952748.3), dbSNP rs778218112, ClinGen allele CA59652923.